The following is an entry in ClinVar:

ClinVar aggregate classification (germline): Pathogenic (1 of 4 stars; one submission).

Conditions:
LAMB2-related disorder. Also called: LAMB2-related condition.

Submission:

3billion
Classification: Pathogenic for LAMB2-related disorder. Last evaluated: 2025-10-01. Review status: criteria provided, single submitter. Criteria: ACMG Guidelines, 2015. Collection method: clinical testing. Allele origin: germline. Affected: yes.
Comment: The variant is observed at an extremely low frequency in the gnomAD v4.1.0 dataset (total allele frequency: <0.001%). Predicted Consequence/Location: Frameshift: predicted to result in a loss or disruption of normal protein function through nonsense-mediated decay (NMD) or protein truncation. Multiple pathogenic variants are reported downstream of the variant. The variant has been reported to be associated with LAMB2-related disorder (PMID: 28683731). Therefore, this variant is classified as Pathogenic according to the recommendation of ACMG/AMP guideline.

Literature cited by the submitters: PubMed 28683731.

NM_002292.4(LAMB2):c.5073_5076dup (p.Gly1693fs)

Gene: LAMB2 (laminin subunit beta 2; minus strand). Cytogenetic location: 3p21.31.
Variant type: Duplication.
Coding change: c.5073_5076dup on transcript NM_002292.4 (MANE Select); coding-DNA positions 5073 to 5076, 4 bases duplicated (CCAG; older notation c.5073_5076dupCCAG).
Protein change: p.Gly1693fs; shifts the reading frame from glycine 1693.
Molecular consequence: frameshift variant.
Genome position (GRCh38, 1-based): chr3:49,121,708-49,121,711, CTGG duplicated on the plus strand (CCAG on the coding strand, the reverse complement: LAMB2 is on the minus strand). VCF-style (leftmost placement, unchanged base first): chr3-49121707-C-CCTGG. GRCh37 (hg19) VCF-style: chr3-49159140-C-CCTGG.
Other names: short protein forms G1693fs.
Identifiers: ClinVar variation 4855451 (VCV004855451.1).